The following is an entry in ClinVar:

ClinVar aggregate classification (germline): Uncertain significance (1 of 4 stars; one submission).

Conditions:
Inborn genetic diseases. Identifiers: MedGen C0950123, MeSH D030342.

gnomAD v4.1: 1 of 1,614,104 alleles (0.000062%); highest among the groups gnomAD compares: Non-Finnish European, 0.000085%; no homozygotes.

Submission:

Ambry Genetics
Classification: Uncertain significance for Inborn genetic diseases. Last evaluated: 2022-09-26. Review status: criteria provided, single submitter. Criteria: Ambry Variant Classification Scheme 2023. Collection method: clinical testing. Allele origin: germline.
Comment: The p.H2517R variant (also known as c.7550A>G), located in coding exon 45 of the ATR gene, results from an A to G substitution at nucleotide position 7550. The histidine at codon 2517 is replaced by arginine, an amino acid with highly similar properties. This amino acid position is conserved. In addition, this alteration is predicted to be tolerated by in silico analysis. Since supporting evidence is limited at this time, the clinical significance of this alteration remains unclear.

NM_001184.4(ATR):c.7550A>G (p.His2517Arg)

Gene: ATR (ATR checkpoint kinase; minus strand). Cytogenetic location: 3q23.
Variant type: single nucleotide variant.
Coding change: c.7550A>G on transcript NM_001184.4 (MANE Select); coding-DNA position 7550, A replaced by G.
Protein change: p.His2517Arg; replaces histidine 2517 with arginine.
Molecular consequence: missense variant.
Genome position (GRCh38, 1-based): chr3:142,457,709, T>C on the plus strand (A>G on the coding strand, the complement: ATR is on the minus strand). VCF-style: chr3-142457709-T-C. GRCh37 (hg19) VCF-style: chr3-142176551-T-C.
Other names: c.7358A>G, p.His2453Arg (NM_001354579.2); short protein forms H2517R, H2453R.
Identifiers: ClinVar variation 1759489 (VCV001759489.2), dbSNP rs767892437, ClinGen allele CA354795336.
Genomic context (GRCh38, chr3:142,457,709, plus strand): 5'-TCACATGCTCTTCGAAAAAGACCCTCTGTTCCCATAGGACCCATTCCATTAACCATATTA[T>C]GAGTCAGGCGAAATGGCACAATTTCTGGAACTTCAAAGGTTTCTCCCTTAGAAACAATAC-3'
Protein context (NP_001175.2, residues 2507-2527): VPEIVPFRLT[His2517Arg]NMVNGMGPMG